The following is an entry in ClinVar:

ClinVar aggregate classification (germline): Uncertain significance (1 of 4 stars; one submission).

Conditions:
Sphingolipid activator protein 1 deficiency. Also called: METACHROMATIC LEUKODYSTROPHY DUE TO CEREBROSIDE SULFATASE ACTIVATOR DEFICIENCY; Saposin B Deficiency; Metachromatic leukodystrophy due to saposin B deficiency. Identifiers: Orphanet 512, MedGen C0268262, MONDO:0009590, OMIM 249900.

Allele frequency attached by ClinVar (database versions not stated): ExAC 0.00006; gnomAD exomes 0.00006.
gnomAD v4.1: 104 of 1,613,410 alleles (0.0064%); highest among the groups gnomAD compares: Non-Finnish European, 0.0085%; no homozygotes.

Submissions (2):

Labcorp Genetics (formerly Invitae), Labcorp
Classification: Uncertain significance for Sphingolipid activator protein 1 deficiency. Last evaluated: 2022-04-29. Review status: criteria provided, single submitter. Criteria: Invitae Variant Classification Sherloc (09022015). Collection method: clinical testing. Allele origin: germline.
Comment: This sequence change replaces methionine, which is neutral and non-polar, with valine, which is neutral and non-polar, at codon 255 of the PSAP protein (p.Met255Val). This variant is present in population databases (rs773349568, gnomAD 0.01%). This variant has not been reported in the literature in individuals affected with PSAP-related conditions. Algorithms developed to predict the effect of missense changes on protein structure and function are either unavailable or do not agree on the potential impact of this missense change (SIFT: "Not Available"; PolyPhen-2: "Benign"; Align-GVGD: "Not Available"). Algorithms developed to predict the effect of sequence changes on RNA splicing suggest that this variant may disrupt the consensus splice site. In summary, the available evidence is currently insufficient to determine the role of this variant in disease. Therefore, it has been classified as a Variant of Uncertain Significance.

Dr. Peter K. Rogan Lab, Western University
No classification provided (evidence only). Condition: Thyroid cancer, nonmedullary, 1. Review status: no classification provided. Collection method: in vitro. Allele origin: not applicable. Functional consequence: retained intron. Not counted in ClinVar's aggregate classification.

NM_002778.4(PSAP):c.763A>G (p.Met255Val)

Gene: PSAP (prosaposin; minus strand). Cytogenetic location: 10q22.1.
Variant type: single nucleotide variant.
Coding change: c.763A>G on transcript NM_002778.4 (MANE Select); coding-DNA position 763, A replaced by G.
Protein change: p.Met255Val; replaces methionine 255 with valine.
Molecular consequence: missense variant.
Genome position (GRCh38, 1-based): chr10:71,825,851, T>C on the plus strand (A>G on the coding strand, the complement: PSAP is on the minus strand). VCF-style: chr10-71825851-T-C. GRCh37 (hg19) VCF-style: chr10-73585608-T-C.
Other names: c.763A>G, p.Met255Val (NM_001042465.3, NM_001042466.3); short protein forms M255V.
Identifiers: ClinVar variation 1416379 (VCV001416379.4), dbSNP rs773349568, ClinGen allele CA5547667.